The following is an entry in ClinVar:

ClinVar aggregate classification (germline): Likely benign. Review status: criteria provided, single submitter (1 of 4 stars). 2 submissions from 2 submitters: Likely benign (1). 1 of the submissions does not count toward it. Last evaluated 2023-08-30.

Conditions:
KMT2A-related disorder. Also called: KMT2A-related condition.

Allele frequency attached by ClinVar (database versions not stated): TOPMed below 0.00001; gnomAD exomes 0.00001.
gnomAD v4.1: 15 of 1,614,162 alleles (0.00093%); highest among the groups gnomAD compares: Non-Finnish European, 0.0013%; no homozygotes.

Submissions (2):

Labcorp Genetics (formerly Invitae), Labcorp
Classification: Likely benign. Last evaluated: 2023-08-30. Review status: criteria provided, single submitter. Criteria: Invitae Variant Classification Sherloc (09022015). Collection method: clinical testing. Allele origin: germline.

PreventionGenetics, part of Exact Sciences
Classification: Likely benign for KMT2A-related condition. Last evaluated: 2024-07-09. Review status: no assertion criteria provided. Collection method: clinical testing. Allele origin: germline. Not counted in ClinVar's aggregate classification.
Comment: This variant is classified as likely benign based on ACMG/AMP sequence variant interpretation guidelines (Richards et al. 2015 PMID: 25741868, with internal and published modifications).

NM_001197104.2(KMT2A):c.2526C>T (p.Gly842=)

Gene: KMT2A (lysine methyltransferase 2A; plus strand). Cytogenetic location: 11q23.3.
Variant type: single nucleotide variant.
Coding change: c.2526C>T on transcript NM_001197104.2 (MANE Select); coding-DNA position 2526, C replaced by T.
Protein change: p.Gly842=; no amino-acid change (glycine 842 retained).
Molecular consequence: synonymous variant.
Genome position (GRCh38, 1-based): chr11:118,473,685, C>T. VCF-style: chr11-118473685-C-T. GRCh37 (hg19) VCF-style: chr11-118344400-C-T.
Other names: c.2625C>T, p.Gly875= (NM_001412597.1); c.2526C>T, p.Gly842= (NM_005933.4).
Identifiers: ClinVar variation 1958149 (VCV001958149.6), dbSNP rs782814987, ClinGen allele CA477358526.
Genomic context (GRCh38, chr11:118,473,685, plus strand): 5'-TCCGGCAGAGCCATTTTCATCAAGTAGTCCTACTCCTCTCTTCCCTTGGTTTACCCCAGG[C>T]TCTCAGACTGAAAGAGGGAGAAATAAAGACAAGGCCCCCGAGGAGCTGTCCAAAGATCGA-3'
Protein context (NP_001184033.1, residues 832-852): PTPLFPWFTP[Gly842=]SQTERGRNKD